The following is an entry in ClinVar:

NM_002234.4(KCNA5):c.364G>T (p.Val122Phe)

Gene: KCNA5 (potassium voltage-gated channel subfamily A member 5; plus strand). Cytogenetic location: 12p13.32.
Variant type: single nucleotide variant.
Coding change: c.364G>T on transcript NM_002234.4 (MANE Select); coding-DNA position 364, G replaced by T.
Protein change: p.Val122Phe; replaces valine 122 with phenylalanine.
Molecular consequence: missense variant.
Genome position (GRCh38, 1-based): chr12:5,044,511, G>T. VCF-style: chr12-5044511-G-T. GRCh37 (hg19) VCF-style: chr12-5153677-G-T.
Other names: short protein forms V122F.
Identifiers: ClinVar variation 1406144 (VCV001406144.8), dbSNP rs2137771710, ClinGen allele CA383464201.

ClinVar aggregate classification (germline): Uncertain significance (1 of 4 stars; one submission).

Conditions:
Atrial fibrillation, familial, 7 (ATFB7). Identifiers: MedGen C2677106, MONDO:0012828, OMIM 612240.

Submission:

Labcorp Genetics (formerly Invitae), Labcorp
Classification: Uncertain significance for Atrial fibrillation, familial, 7. Last evaluated: 2021-04-19. Review status: criteria provided, single submitter. Criteria: Invitae Variant Classification Sherloc (09022015). Collection method: clinical testing. Allele origin: germline.
Comment: This variant is not present in population databases (ExAC no frequency). This variant has not been reported in the literature in individuals with KCNA5-related conditions. This sequence change replaces valine with phenylalanine at codon 122 of the KCNA5 protein (p.Val122Phe). The valine residue is highly conserved and there is a small physicochemical difference between valine and phenylalanine. Algorithms developed to predict the effect of missense changes on protein structure and function are either unavailable or do not agree on the potential impact of this missense change (SIFT: "Deleterious"; PolyPhen-2: "Probably Damaging"; Align-GVGD: "Class C0"). In summary, the available evidence is currently insufficient to determine the role of this variant in disease. Therefore, it has been classified as a Variant of Uncertain Significance.